The following is an entry in ClinVar:

NM_006648.4(WNK2):c.2350C>A (p.Pro784Thr)

Gene: WNK2 (WNK lysine deficient protein kinase 2; plus strand). Cytogenetic location: 9q22.31.
Variant type: single nucleotide variant.
Coding change: c.2350C>A on transcript NM_006648.4 (MANE Select); coding-DNA position 2350, C replaced by A.
Protein change: p.Pro784Thr; replaces proline 784 with threonine.
Molecular consequence: missense variant.
Genome position (GRCh38, 1-based): chr9:93,257,107, C>A. VCF-style: chr9-93257107-C-A. GRCh37 (hg19) VCF-style: chr9-96019389-C-A.
Other names: c.2350C>A, p.Pro784Thr (NM_001282394.3); short protein forms P784T.
Identifiers: ClinVar variation 4605431 (VCV004605431.1).

ClinVar aggregate classification (germline): Uncertain significance (1 of 4 stars; one submission).

Submission:

Ambry Genetics
Classification: Uncertain significance. Last evaluated: 2025-12-13. Review status: criteria provided, single submitter. Criteria: Ambry Variant Classification Scheme 2023. Collection method: clinical testing. Allele origin: germline.
Comment: The p.P784T variant (also known as c.2350C>A), located in coding exon 10 of the WNK2 gene, results from a C to A substitution at nucleotide position 2350. The proline at codon 784 is replaced by threonine, an amino acid with highly similar properties. This amino acid position is conserved. In addition, this alteration is predicted to be tolerated by in silico analysis. Based on the available evidence, the clinical significance of this variant remains unclear.